The following is an entry in ClinVar:

NM_005411.5(SFTPA1):c.542A>T (p.Tyr181Phe)

Gene: SFTPA1 (surfactant protein A1; plus strand). Cytogenetic location: 10q22.3.
Variant type: single nucleotide variant.
Coding change: c.542A>T on transcript NM_005411.5 (MANE Select); coding-DNA position 542, A replaced by T.
Protein change: p.Tyr181Phe; replaces tyrosine 181 with phenylalanine.
Molecular consequence: missense variant.
Genome position (GRCh38, 1-based): chr10:79,613,908, A>T. VCF-style: chr10-79613908-A-T. GRCh37 (hg19) VCF-style: chr10-81373664-A-T.
Other names: c.587A>T, p.Tyr196Phe (NM_001093770.3); c.542A>T, p.Tyr181Phe (NM_001164644.2, NM_001164647.1); c.440A>T, p.Tyr147Phe (NM_001164645.2); c.395A>T, p.Tyr132Phe (NM_001164646.2); short protein forms Y132F, Y147F, Y196F, Y181F.
Identifiers: ClinVar variation 2396751 (VCV002396751.3), dbSNP rs767633105, ClinGen allele CA5574556.
Genomic context (GRCh38, chr10:79,613,908, plus strand): 5'-GCATTGCTGTCCCAAGGAATCCAGAGGAAAATGAGGCCATTGCAAGCTTCGTGAAGAAGT[A>T]CAACACATATGCCTATGTAGGCCTGACTGAGGGTCCCAGCCCTGGAGACTTCCGCTACTC-3'
Protein context (NP_005402.3, residues 171-191): NEAIASFVKK[Tyr181Phe]NTYAYVGLTE

ClinVar aggregate classification (germline): Uncertain significance. Review status: criteria provided, multiple submitters, no conflicts (2 of 4 stars). 2 submissions from 2 submitters: Uncertain significance (2). Last evaluated 2025-03-05.

Conditions:
Interstitial lung disease 1. Identifiers: MedGen C5562021, MONDO:0030608, OMIM 619611.

Allele frequency attached by ClinVar (database versions not stated): TOPMed 0.00001; ExAC 0.00002.

Submissions (2):

3billion
Classification: Uncertain significance for Interstitial lung disease 1. Last evaluated: 2025-03-05. Review status: criteria provided, single submitter. Criteria: ACMG Guidelines, 2015. Collection method: clinical testing. Allele origin: germline. Affected: yes.
Comment: The variant is observed at an extremely low frequency in the gnomAD v4.1.0 dataset (total allele frequency: <0.001%). Predicted Consequence/Location: Missense variant. Missense changes are a common disease-causing mechanism. The variant has been reported as of uncertain significance (ClinVar ID: VCV002396751). Therefore, this variant is classified as VUS according to the recommendation of ACMG/AMP guideline.

Ambry Genetics
Classification: Uncertain significance. Last evaluated: 2021-09-16. Review status: criteria provided, single submitter. Criteria: Ambry Variant Classification Scheme 2023. Collection method: clinical testing. Allele origin: germline.